The following is an entry in ClinVar:

ClinVar aggregate classification (germline): Uncertain significance. Review status: criteria provided, single submitter (1 of 4 stars). 2 submissions from 2 submitters: Uncertain significance (1). 1 of the submissions does not count toward it. Last evaluated 2025-05-19.

Conditions:
ALG5-related disorder. Also called: ALG5-related condition.

gnomAD v4.1: 11 of 1,613,774 alleles (0.00068%); highest among the groups gnomAD compares: Non-Finnish European, 0.00093%; no homozygotes.

Submissions (2):

Ambry Genetics
Classification: Uncertain significance. Last evaluated: 2025-05-19. Review status: criteria provided, single submitter. Criteria: Ambry Variant Classification Scheme 2023. Collection method: clinical testing. Allele origin: germline.

PreventionGenetics, part of Exact Sciences
Classification: Uncertain significance for ALG5-related condition. Last evaluated: 2024-03-21. Review status: no assertion criteria provided. Collection method: clinical testing. Allele origin: germline. Not counted in ClinVar's aggregate classification.
Comment: The ALG5 c.487G>A variant is predicted to result in the amino acid substitution p.Asp163Asn. To our knowledge, this variant has not been reported in the literature. This variant is reported in 0.00088% of alleles in individuals of European (Non-Finnish) descent in gnomAD. At this time, the clinical significance of this variant is uncertain due to the absence of conclusive functional and genetic evidence.

NM_013338.5(ALG5):c.487G>A (p.Asp163Asn)

Gene: ALG5 (ALG5 dolichyl-phosphate beta-glucosyltransferase; minus strand). Cytogenetic location: 13q13.3.
Variant type: single nucleotide variant.
Coding change: c.487G>A on transcript NM_013338.5 (MANE Select); coding-DNA position 487, G replaced by A.
Protein change: p.Asp163Asn; replaces aspartic acid 163 with asparagine.
Molecular consequence: missense variant.
Genome position (GRCh38, 1-based): chr13:36,985,701, C>T on the plus strand (G>A on the coding strand, the complement: ALG5 is on the minus strand). VCF-style: chr13-36985701-C-T. GRCh37 (hg19) VCF-style: chr13-37559838-C-T.
Other names: c.397G>A, p.Asp133Asn (NM_001142364.1); short protein forms D133N, D163N.
Identifiers: ClinVar variation 3349249 (VCV003349249.2).